The following is an entry in ClinVar:

ClinVar aggregate classification (germline): Pathogenic (1 of 4 stars; one submission).

Conditions:
Neuronal ceroid lipofuscinosis 11. Also called: GRN-Related Neuronal Ceroid-Lipofuscinosis. Identifiers: Orphanet 314629, Orphanet 79262, MedGen C3539123, MONDO:0013866, OMIM 614706.
GRN-related frontotemporal lobar degeneration with Tdp43 inclusions (FTD2). Also called: GRN Frontotemporal Dementia; FRONTOTEMPORAL DEMENTIA WITH TDP43 INCLUSIONS, GRN-RELATED; DEMENTIA, HEREDITARY DYSPHASIC DISINHIBITION; FRONTOTEMPORAL LOBAR DEGENERATION WITH UBIQUITIN-POSITIVE INCLUSIONS; FTLD-TDP, GRN-RELATED. Identifiers: Orphanet 100070, Orphanet 282, MedGen C1843792, MONDO:0011842, OMIM 607485. Disease mechanism: loss of function.

Submission:

Labcorp Genetics (formerly Invitae), Labcorp
Classification: Pathogenic for Neuronal ceroid lipofuscinosis 11; GRN-related frontotemporal lobar degeneration with Tdp43 inclusions. Last evaluated: 2024-12-11. Review status: criteria provided, single submitter. Criteria: Invitae Variant Classification Sherloc (09022015). Collection method: clinical testing. Allele origin: germline.
Comment: This sequence change creates a premature translational stop signal (p.Gln331*) in the GRN gene. It is expected to result in an absent or disrupted protein product. Loss-of-function variants in GRN are known to be pathogenic (PMID: 16862116, 16950801, 22608501). This variant is not present in population databases (gnomAD no frequency). This variant has not been reported in the literature in individuals affected with GRN-related conditions. ClinVar contains an entry for this variant (Variation ID: 569790). Algorithms developed to predict the effect of sequence changes on RNA splicing suggest that this variant may disrupt the consensus splice site. For these reasons, this variant has been classified as Pathogenic.

Literature cited by the submitters: PubMed 16862116; PubMed 16950801; PubMed 22608501.

NM_002087.4(GRN):c.991C>T (p.Gln331Ter)

Gene: GRN (granulin precursor; plus strand). Cytogenetic location: 17q21.31.
Variant type: single nucleotide variant.
Coding change: c.991C>T on transcript NM_002087.4 (MANE Select); coding-DNA position 991, C replaced by T.
Protein change: p.Gln331Ter; replaces glutamine 331 with a stop codon.
Molecular consequence: nonsense.
Genome position (GRCh38, 1-based): chr17:44,351,607, C>T. VCF-style: chr17-44351607-C-T. GRCh37 (hg19) VCF-style: chr17-42428975-C-T.
Other names: short protein forms Q331*.
Identifiers: ClinVar variation 569790 (VCV000569790.6), dbSNP rs1567887496, ClinGen allele CA399765187.
Genomic context (GRCh38, chr17:44,351,607, plus strand): 5'-TAGGCTGTGTGCTGTGAGGACCACATACACTGCTGTCCCGCGGGGTTTACGTGTGACACG[C>T]AGAAGGGTACCTGTGAACAGGGGCCCCACCAGGTGCCCTGGATGGAGAAGGCCCCAGCTC-3'